The following is an entry in ClinVar:

ClinVar aggregate classification (germline): Uncertain significance (1 of 4 stars; one submission).

Submission:

GeneDx
Classification: Uncertain significance. Last evaluated: 2024-03-26. Review status: criteria provided, single submitter. Criteria: GeneDx Variant Classification Process June 2021. Collection method: clinical testing. Allele origin: germline. Affected: yes.
Comment: Not observed at significant frequency in large population cohorts (gnomAD); In silico analysis supports that this missense variant has a deleterious effect on protein structure/function; Has not been previously published as pathogenic or benign to our knowledge

NM_001393769.1(MED12L):c.5170G>A (p.Ala1724Thr)

Gene: MED12L (mediator complex subunit 12L; plus strand). Cytogenetic location: 3q25.1.
Variant type: single nucleotide variant.
Coding change: c.5170G>A on transcript NM_001393769.1 (MANE Select); coding-DNA position 5170, G replaced by A.
Protein change: p.Ala1724Thr; replaces alanine 1724 with threonine.
Molecular consequence: missense variant.
Genome position (GRCh38, 1-based): chr3:151,387,891, G>A. VCF-style: chr3-151387891-G-A. GRCh37 (hg19) VCF-style: chr3-151105679-G-A.
Other names: c.5065G>A, p.Ala1689Thr (NM_053002.6); short protein forms A1689T, A1724T.
Identifiers: ClinVar variation 3371721 (VCV003371721.1).